The following is an entry in ClinVar:

NM_001184.4(ATR):c.2875G>A (p.Val959Met)

Gene: ATR (ATR checkpoint kinase; minus strand). Cytogenetic location: 3q23.
Variant type: single nucleotide variant.
Coding change: c.2875G>A on transcript NM_001184.4 (MANE Select); coding-DNA position 2875, G replaced by A.
Protein change: p.Val959Met; replaces valine 959 with methionine.
Molecular consequence: missense variant.
Genome position (GRCh38, 1-based): chr3:142,550,233, C>T on the plus strand (G>A on the coding strand, the complement: ATR is on the minus strand). VCF-style: chr3-142550233-C-T. GRCh37 (hg19) VCF-style: chr3-142269075-C-T.
Other names: c.2683G>A, p.Val895Met (NM_001354579.2); short protein forms V959M, V895M.
Identifiers: ClinVar variation 157974 (VCV000157974.41), dbSNP rs28910271, ClinGen allele CA171351.

ClinVar aggregate classification (germline): Benign. Review status: criteria provided, multiple submitters, no conflicts (2 of 4 stars). 14 submissions from 13 submitters: Benign (12). 2 of the submissions do not count toward it. Last evaluated 2026-02-02.

Conditions:
Familial cutaneous telangiectasia and oropharyngeal predisposition cancer syndrome. Identifiers: Orphanet 313846, MedGen C3281203, MONDO:0013806, OMIM 614564.
Seckel syndrome 1 (SCKL1). Also called: MICROCEPHALIC PRIMORDIAL DWARFISM I. Identifiers: Orphanet 808, MedGen C4551474, MONDO:0008869, OMIM 210600.

Allele frequency attached by ClinVar (database versions not stated): gnomAD 0.01643; 1000 Genomes Project 30x 0.01733; TOPMed 0.01840; 1000 Genomes Project 0.01877; ESP Exome Variant Server 0.02061.
gnomAD v4.1: 31,767 of 1,614,104 alleles (2%); highest among the groups gnomAD compares: South Asian, 4.1%; 399 homozygotes.

Submissions (14):

Labcorp Genetics (formerly Invitae), Labcorp
Classification: Benign. Last evaluated: 2026-02-02. Review status: criteria provided, single submitter. Criteria: Invitae Variant Classification Sherloc (09022015). Collection method: clinical testing. Allele origin: germline.

CeGaT Center for Human Genetics Tuebingen
Classification: Benign. Last evaluated: 2025-06-01. Review status: criteria provided, single submitter. Criteria: CeGaT Center For Human Genetics Tuebingen Variant Classification Criteria Version 2. Collection method: clinical testing. Allele origin: germline. Affected: yes. Observed: 1 variant allele.
Comment: ATR: BP4, BS1, BS2

ARUP Laboratories, Molecular Genetics and Genomics, ARUP Laboratories
Classification: Benign. Last evaluated: 2023-11-02. Review status: criteria provided, single submitter. Criteria: ARUP Molecular Germline Variant Investigation Process 2024. Collection method: clinical testing. Allele origin: germline.

KCCC/NGS Laboratory, Kuwait Cancer Control Center
Classification: Benign for Familial cutaneous telangiectasia and oropharyngeal predisposition cancer syndrome. Last evaluated: 2023-07-07. Review status: criteria provided, single submitter. Criteria: ACMG Guidelines, 2015. Collection method: clinical testing. Allele origin: germline. Affected: yes.

Genome-Nilou Lab
Classification: Benign for Seckel syndrome 1. Last evaluated: 2023-02-08. Review status: criteria provided, single submitter. Criteria: ACMG Guidelines, 2015. Collection method: clinical testing. Allele origin: germline.

Genome-Nilou Lab
Classification: Benign for Familial cutaneous telangiectasia and oropharyngeal predisposition cancer syndrome. Last evaluated: 2023-02-08. Review status: criteria provided, single submitter. Criteria: ACMG Guidelines, 2015. Collection method: clinical testing. Allele origin: germline.

Department of Pathology and Laboratory Medicine, Sinai Health System
Classification: Benign for Seckel syndrome 1. Last evaluated: 2021-07-30. Review status: criteria provided, single submitter. Criteria: ACMG Guidelines, 2015. Collection method: research. Allele origin: germline.

Illumina Laboratory Services, Illumina
Classification: Benign for Seckel syndrome 1. Last evaluated: 2018-01-12. Review status: criteria provided, single submitter. Criteria: ICSL Variant Classification Criteria 13 December 2019. Collection method: clinical testing. Allele origin: germline.
Comment: This variant was observed in the ICSL laboratory as part of a predisposition screen in an ostensibly healthy population. It had not been previously curated by ICSL or reported in the Human Gene Mutation Database (HGMD: prior to June 1st, 2018), and was therefore a candidate for classification through an automated scoring system. Utilizing variant allele frequency, disease prevalence and penetrance estimates, and inheritance mode, an automated score was calculated to assess if this variant is too frequent to cause the disease. Based on the score and internal cut-off values, a variant classified as benign is not then subjected to further curation. The score for this variant resulted in a classification of benign for this disease.

Women's Health and Genetics/Laboratory Corporation of America, LabCorp
Classification: Benign. Last evaluated: 2016-04-27. Review status: criteria provided, single submitter. Criteria: LabCorp Variant Classification Summary - May 2015. Collection method: clinical testing. Allele origin: germline.
Comment: Variant summary: The c.2875G>A variant involves the alteration of a non-conserved nucleotide and 4/4 in silico tools predict a neutral outcome. The variant was observed in the large, broad control population, ExAC, with an allele frequency of 1.9% which includes 48 homozygous occurrences, strong evidence this variant is a benign polymorphism. The variant has been reported as benign by a reputable clinical lab. Taken together, this variant has been classified as Benign.

GeneDx
Classification: Benign. Last evaluated: 2015-03-03. Review status: criteria provided, single submitter. Criteria: GeneDx Variant Classification Process June 2021. Collection method: clinical testing. Allele origin: germline. Affected: yes.

Genetic Services Laboratory, University of Chicago
Classification: Benign. Last evaluated: 2013-02-08. Review status: criteria provided, single submitter. Criteria: ACMG Guidelines, 2007. Collection method: clinical testing. Allele origin: germline. Inheritance: Autosomal recessive inheritance.

Breakthrough Genomics
Classification: Benign. Review status: criteria provided, single submitter. Criteria: ACMG Guidelines, 2015. Collection method: not provided. Allele origin: germline. Inheritance: Autosomal recessive inheritance. Affected: yes.

Clinical Genetics DNA and cytogenetics Diagnostics Lab, Erasmus MC, Erasmus Medical Center
Classification: Likely benign. Review status: no assertion criteria provided. Collection method: clinical testing. Allele origin: germline. Affected: yes. Study: VKGL Data-share Consensus. Not counted in ClinVar's aggregate classification.

Laboratory of Diagnostic Genome Analysis, Leiden University Medical Center (LUMC)
Classification: Likely benign. Review status: no assertion criteria provided. Collection method: clinical testing. Allele origin: germline. Affected: yes. Study: VKGL Data-share Consensus. Not counted in ClinVar's aggregate classification.